The following is an entry in ClinVar:

ClinVar aggregate classification (germline): Uncertain significance (1 of 4 stars; one submission).

Conditions:
Spinocerebellar ataxia, autosomal recessive, with axonal neuropathy 2 (SCAN2). Also called: ATAXIA-OCULOMOTOR APRAXIA 2; Ataxia-ocular apraxia-2; Ataxia with Oculomotor Apraxia; Ataxia with Oculomotor Apraxia Type 2. Identifiers: Orphanet 64753, MedGen C1853761, MONDO:0018996, OMIM 606002.
Amyotrophic lateral sclerosis type 4 (ALS4). Also called: AMYOTROPHIC LATERAL SCLEROSIS 4, JUVENILE; NEURONOPATHY, DISTAL HEREDITARY MOTOR, WITH PYRAMIDAL FEATURES. Identifiers: Orphanet 357043, MedGen C1865409, MONDO:0011223, OMIM 602433.

Submission:

Labcorp Genetics (formerly Invitae), Labcorp
Classification: Uncertain significance for Amyotrophic lateral sclerosis type 4; Spinocerebellar ataxia, autosomal recessive, with axonal neuropathy 2. Last evaluated: 2024-03-26. Review status: criteria provided, single submitter. Criteria: Invitae Variant Classification Sherloc (09022015). Collection method: clinical testing. Allele origin: germline.
Comment: This sequence change replaces arginine, which is basic and polar, with glycine, which is neutral and non-polar, at codon 734 of the SETX protein (p.Arg734Gly). This variant is not present in population databases (gnomAD no frequency). This variant has not been reported in the literature in individuals affected with SETX-related conditions. ClinVar contains an entry for this variant (Variation ID: 1424559). Advanced modeling of protein sequence and biophysical properties (such as structural, functional, and spatial information, amino acid conservation, physicochemical variation, residue mobility, and thermodynamic stability) performed at Invitae indicates that this missense variant is not expected to disrupt SETX protein function with a negative predictive value of 95%. In summary, the available evidence is currently insufficient to determine the role of this variant in disease. Therefore, it has been classified as a Variant of Uncertain Significance.

NM_015046.7(SETX):c.2200A>G (p.Arg734Gly)

Gene: SETX (senataxin; minus strand). Cytogenetic location: 9q34.13.
Variant type: single nucleotide variant.
Coding change: c.2200A>G on transcript NM_015046.7 (MANE Select); coding-DNA position 2200, A replaced by G.
Protein change: p.Arg734Gly; replaces arginine 734 with glycine.
Molecular consequence: missense variant.
Genome position (GRCh38, 1-based): chr9:132,329,398, T>C on the plus strand (A>G on the coding strand, the complement: SETX is on the minus strand). VCF-style: chr9-132329398-T-C. GRCh37 (hg19) VCF-style: chr9-135204785-T-C.
Other names: c.2200A>G, p.Arg734Gly (NM_001351527.2, NM_001351528.2); short protein forms R734G.
Identifiers: ClinVar variation 1424559 (VCV001424559.6), dbSNP rs2131454695, ClinGen allele CA375336658.
Genomic context (GRCh38, chr9:132,329,398, plus strand): 5'-CATCAGTGCTAGAATCAGTCAACAAACGTGTTGATACTATTATTCCTCTGTCACATCCCC[T>C]TTCTGGACCATTTCTTGAAGTACAGTCCTTTGGTGTATATGAAGAGATCTCTTTTACAGA-3'
Protein context (NP_055861.3, residues 724-744): KDCTSRNGPE[Arg734Gly]GCDRGIIVST